The following is an entry in ClinVar:

ClinVar aggregate classification (germline): Uncertain significance. Review status: criteria provided, multiple submitters, no conflicts (2 of 4 stars). 2 submissions from 2 submitters: Uncertain significance (2). Last evaluated 2020-09-23.

Conditions:
Cardiovascular phenotype. Identifiers: MedGen CN230736.
Hereditary cancer-predisposing syndrome. Also called: Hereditary Cancer Syndrome; Tumor predisposition; Neoplastic Syndromes, Hereditary; Hereditary neoplastic syndrome. Identifiers: Orphanet 140162, MedGen C0027672, MeSH D009386, MONDO:0015356.
Neurofibromatosis, type 1 (NF1). Also called: VON RECKLINGHAUSEN DISEASE; Neurofibromatosis, type I; NEUROFIBROMATOSIS, TYPE I, SOMATIC; Peripheral type neurofibromatosis. Identifiers: Orphanet 636, MedGen C0027831, MONDO:0018975, OMIM 162200. Disease mechanism: loss of function.

Submissions (2):

Ambry Genetics
Classification: Uncertain significance for Cardiovascular phenotype; Hereditary cancer-predisposing syndrome. Last evaluated: 2020-09-23. Review status: criteria provided, single submitter. Criteria: Ambry Variant Classification Scheme 2023. Collection method: clinical testing. Allele origin: germline.
Comment: The p.T1013P variant (also known as c.3037A>C), located in coding exon 23 of the NF1 gene, results from an A to C substitution at nucleotide position 3037. The threonine at codon 1013 is replaced by proline, an amino acid with highly similar properties. This amino acid position is highly conserved in available vertebrate species. In addition, the in silico prediction for this alteration is inconclusive. Since supporting evidence is limited at this time, the clinical significance of this alteration remains unclear.

Labcorp Genetics (formerly Invitae), Labcorp
Classification: Uncertain significance for Neurofibromatosis, type 1. Last evaluated: 2018-10-31. Review status: criteria provided, single submitter. Criteria: Invitae Variant Classification Sherloc (09022015). Collection method: clinical testing. Allele origin: germline.
Comment: In summary, the available evidence is currently insufficient to determine the role of this variant in disease. Therefore, it has been classified as a Variant of Uncertain Significance. Algorithms developed to predict the effect of missense changes on protein structure and function are either unavailable or do not agree on the potential impact of this missense change (SIFT: "Deleterious"; PolyPhen-2: "Probably Damaging"; Align-GVGD: "Class C0"). This variant has not been reported in the literature in individuals with NF1-related disease. This variant is not present in population databases (ExAC no frequency). This sequence change replaces threonine with proline at codon 1013 of the NF1 protein (p.Thr1013Pro). The threonine residue is moderately conserved and there is a small physicochemical difference between threonine and proline.

NM_001042492.3(NF1):c.3037A>C (p.Thr1013Pro)

Gene: NF1 (neurofibromin 1; plus strand). Cytogenetic location: 17q11.2.
Variant type: single nucleotide variant.
Coding change: c.3037A>C on transcript NM_001042492.3 (MANE Select); coding-DNA position 3037, A replaced by C.
Protein change: p.Thr1013Pro; replaces threonine 1013 with proline.
Molecular consequence: missense variant.
Genome position (GRCh38, 1-based): chr17:31,230,306, A>C. VCF-style: chr17-31230306-A-C. GRCh37 (hg19) VCF-style: chr17-29557324-A-C.
Other names: c.3037A>C, p.Thr1013Pro (NM_000267.4); short protein forms T1013P.
Identifiers: ClinVar variation 648338 (VCV000648338.8), dbSNP rs1597716888, ClinGen allele CA398987335.
Genomic context (GRCh38, chr17:31,230,306, plus strand): 5'-CTATGTCTATATAGGTATGTTCGTGTGCTTGGGAATATGGTCCATGCAATTCAAATAAAA[A>C]CGAAACTGTGTCAATTAGTTGAAGTAATGATGGCAAGGAGAGATGACCTCTCATTTTGCC-3'
Protein context (NP_001035957.1, residues 1003-1023): GNMVHAIQIK[Thr1013Pro]KLCQLVEVMM